The following is an entry in ClinVar:

ClinVar aggregate classification (germline): Pathogenic (1 of 4 stars; one submission).

Submission:

Mayo Clinic Laboratories, Mayo Clinic
Classification: Pathogenic. Last evaluated: 2021-02-02. Review status: criteria provided, single submitter. Criteria: ACMG Guidelines, 2015. Collection method: clinical testing. Allele origin: germline. Observed: 1 variant allele.
Comment: PVS1, PM2, PP4

NM_000061.3(BTK):c.1079_1082del (p.Asn360fs)

Gene: BTK (Bruton tyrosine kinase; minus strand). Cytogenetic location: Xq22.1.
Variant type: Deletion.
Coding change: c.1079_1082del on transcript NM_000061.3 (MANE Select); coding-DNA positions 1079 to 1082, 4 bases deleted (ACTA; older notation c.1079_1082delACTA).
Protein change: p.Asn360fs; shifts the reading frame from asparagine 360.
Molecular consequence: frameshift variant. On other transcripts: intron variant (1).
Genome position (GRCh38, 1-based): chrX:101,358,330-101,358,333, TAGT deleted on the plus strand (ACTA on the coding strand, the reverse complement: BTK is on the minus strand); deleting any 4 consecutive bases within chrX:101,358,330-101,358,335 gives the same sequence; the c. name uses the placement nearest the transcript's 3' end. VCF-style (leftmost placement, unchanged base first): chrX-101358329-GTAGT-G. GRCh37 (hg19) VCF-style: chrX-100613317-GTAGT-G.
Other names: c.1181_1184del, p.Asn394fs (NM_001287344.2); c.1038+41_1038+44del (NM_001287345.2); short protein forms N360fs, N394fs.
Identifiers: ClinVar variation 1163198 (VCV001163198.5), dbSNP rs2147429812, ClinGen allele CA2499226279.